The following is an entry in ClinVar:

NM_001371986.1(UNC80):c.8009G>A (p.Arg2670Gln)

Gene: UNC80 (unc-80 subunit of NALCN channel complex; plus strand). Cytogenetic location: 2q34.
Variant type: single nucleotide variant.
Coding change: c.8009G>A on transcript NM_001371986.1 (MANE Select); coding-DNA position 8009, G replaced by A.
Protein change: p.Arg2670Gln; replaces arginine 2670 with glutamine.
Molecular consequence: missense variant.
Genome position (GRCh38, 1-based): chr2:209,969,770, G>A. VCF-style: chr2-209969770-G-A. GRCh37 (hg19) VCF-style: chr2-210834494-G-A.
Other names: c.7811G>A, p.Arg2604Gln (NM_032504.2); c.7796G>A, p.Arg2599Gln (NM_182587.4); short protein forms R2604Q, R2599Q, R2670Q.
Identifiers: ClinVar variation 809147 (VCV000809147.42), dbSNP rs1316184195, ClinGen allele CA350777560.

ClinVar aggregate classification (germline): Uncertain significance (1 of 4 stars; one submission).

Allele frequency attached by ClinVar (database versions not stated): gnomAD exomes below 0.00001.
gnomAD v4.1: 1 of 1,551,598 alleles (0.000064%); highest among the groups gnomAD compares: South Asian, 0.0012%; no homozygotes.

Submission:

CeGaT Center for Human Genetics Tuebingen
Classification: Uncertain significance. Last evaluated: 2022-12-01. Review status: criteria provided, single submitter. Criteria: CeGaT Center For Human Genetics Tuebingen Variant Classification Criteria Version 2. Collection method: clinical testing. Allele origin: germline. Affected: yes. Observed: 3 variant alleles.
Comment: UNC80: PM2, PP2